The following is an entry in ClinVar:

NM_012120.3(CD2AP):c.1404C>T (p.Thr468=)

Gene: CD2AP (CD2 associated protein; plus strand). Cytogenetic location: 6p12.3.
Variant type: single nucleotide variant.
Coding change: c.1404C>T on transcript NM_012120.3 (MANE Select); coding-DNA position 1404, C replaced by T.
Protein change: p.Thr468=; no amino-acid change (threonine 468 retained).
Molecular consequence: synonymous variant.
Genome position (GRCh38, 1-based): chr6:47,599,430, C>T. VCF-style: chr6-47599430-C-T. GRCh37 (hg19) VCF-style: chr6-47567166-C-T.
Identifiers: ClinVar variation 357174 (VCV000357174.5), dbSNP rs145347609, ClinGen allele CA3844314.

ClinVar aggregate classification (germline): Likely benign (1 of 4 stars; one submission).

Conditions:
Focal segmental glomerulosclerosis 3, susceptibility to (FSGS3). Identifiers: Orphanet 656, MedGen C1842982, MONDO:0011917, OMIM 607832.

Allele frequency attached by ClinVar (database versions not stated): gnomAD 0.00003 and 0.00004; gnomAD exomes 0.00004 and 0.00009; TOPMed 0.00004; ExAC 0.00006; ESP Exome Variant Server 0.00031.
gnomAD v4.1: 141 of 1,611,748 alleles (0.0087%); highest among the groups gnomAD compares: Non-Finnish European, 0.011%; no homozygotes.

Submission:

Illumina Laboratory Services, Illumina
Classification: Likely benign for Focal segmental glomerulosclerosis 3, susceptibility to. Last evaluated: 2018-01-13. Review status: criteria provided, single submitter. Criteria: ICSL Variant Classification Criteria 13 December 2019. Collection method: clinical testing. Allele origin: germline.
Comment: This variant was observed in the ICSL laboratory as part of a predisposition screen in an ostensibly healthy population. It had not been previously curated by ICSL or reported in the Human Gene Mutation Database (HGMD: prior to June 1st, 2018), and was therefore a candidate for classification through an automated scoring system. Utilizing variant allele frequency, disease prevalence and penetrance estimates, and inheritance mode, an automated score was calculated to assess if this variant is too frequent to cause the disease. Based on the score and internal cut-off values, a variant classified as likely benign is not then subjected to further curation. The score for this variant resulted in a classification of likely benign for this disease.